The following is an entry in ClinVar:

NM_000539.3(RHO):c.563G>A (p.Gly188Glu)

Gene: RHO (rhodopsin; plus strand). Cytogenetic location: 3q22.1.
Variant type: single nucleotide variant.
Coding change: c.563G>A on transcript NM_000539.3 (MANE Select); coding-DNA position 563, G replaced by A.
Protein change: p.Gly188Glu; replaces glycine 188 with glutamic acid.
Molecular consequence: missense variant.
Genome position (GRCh38, 1-based): chr3:129,532,283, G>A. VCF-style: chr3-129532283-G-A. GRCh37 (hg19) VCF-style: chr3-129251126-G-A.
Other names: short protein forms G188E.
Identifiers: ClinVar variation 811432 (VCV000811432.24), dbSNP rs1424131846, ClinGen allele CA354499271.

ClinVar aggregate classification (germline): Pathogenic/Likely pathogenic. Review status: criteria provided, multiple submitters, no conflicts (2 of 4 stars). 6 submissions from 6 submitters: Pathogenic (4); Likely pathogenic (2). Last evaluated 2026-04-21.

Conditions:
Retinitis pigmentosa 4 (RP4). Also called: RETINITIS PIGMENTOSA, RHODOPSIN-RELATED. Identifiers: Orphanet 791, MedGen C3151001, MONDO:0013395, OMIM 613731.
RHO-related disorder. Also called: RHO-related condition.

Allele frequency attached by ClinVar (database versions not stated): gnomAD exomes below 0.00001.

Submissions (6):

PreventionGenetics, part of Exact Sciences
Classification: Pathogenic for RHO-related condition. Last evaluated: 2026-04-21. Review status: criteria provided, single submitter. Criteria: ACMG Guidelines, 2015. Collection method: clinical testing. Allele origin: germline.
Comment: The RHO c.563G>A variant is predicted to result in the amino acid substitution p.Gly188Glu. This recurrent variant has been reported in individuals with autosomal dominant retinitis pigmentosa (Macke et al. 1993. PubMed ID: 8317502; Cauwenbergh et al. 2017. PubMed ID: 28076437; Supplemental Table 7; Panneman et al. 2023. PubMed ID: 36819107; Table S1, Lin et al. 2024. PubMed ID: 38219857). An alternate substitution of this amino acid residue (p.Gly188Arg) has also been reported many times in individuals with autosomal dominant retinitis pigmentosa (see for example: Table S1, Lin et al. 2024. PubMed ID: 38219857). Functional studies have suggested that this variant results in retention of the protein in the endoplasmic reticulum (Rakoczy et al. 2011. PubMed ID: 21094163). This variant is present in 0.0029% of alleles in individuals of Latino descent in gnomAD. This variant is interpreted as pathogenic.

3billion
Classification: Pathogenic for Retinitis pigmentosa 4. Last evaluated: 2025-06-25. Review status: criteria provided, single submitter. Criteria: ACMG Guidelines, 2015. Collection method: clinical testing. Allele origin: germline. Affected: yes.
Comment: The variant is observed at an extremely low frequency in the gnomAD v4.1.0 dataset (total allele frequency: <0.001%). Predicted Consequence/Location: Missense variant. Missense changes are a common disease-causing mechanism. Functional studies provide strong evidence of the variant having a damaging effect on the gene or gene product (PMID: 8253795). In silico tool predictions suggest damaging effect of the variant on gene or gene product [REVEL: 0.71 (>=0.6, sensitivity 0.68 and specificity 0.92); 3Cnet: 0.99 (> 0.75, sensitivity 0.96 and precision 0.92)]. The same nucleotide change resulting in the same amino acid change has been previously reported as pathogenic/likely pathogenic with strong evidence (ClinVar ID: VCV000811432 /PMID: 8317502 /3billion dataset). The variant has been observed in at least two similarly affected unrelated individuals (PMID: 28076437, 28559085, 8317502). A different missense change at the same codon (p.Gly188Arg) has been reported as pathogenic/likely pathogenic with strong evidence (ClinVar ID: VCV000143081 /PMID: 1833777). Therefore, this variant is classified as Pathogenic according to the recommendation of ACMG/AMP guideline.

Labcorp Genetics (formerly Invitae), Labcorp
Classification: Pathogenic. Last evaluated: 2025-05-13. Review status: criteria provided, single submitter. Criteria: Invitae Variant Classification Sherloc (09022015). Collection method: clinical testing. Allele origin: germline.
Comment: This sequence change replaces glycine, which is neutral and non-polar, with glutamic acid, which is acidic and polar, at codon 188 of the RHO protein (p.Gly188Glu). This variant is present in population databases (no rsID available, gnomAD 0.003%). This missense change has been observed in individual(s) with autosomal dominant retinitis pigmentosa (PMID: 8317502, 28076437, 28559085). In at least one individual the variant was observed to be de novo. It has also been observed to segregate with disease in related individuals. ClinVar contains an entry for this variant (Variation ID: 811432). Invitae Evidence Modeling of protein sequence and biophysical properties (such as structural, functional, and spatial information, amino acid conservation, physicochemical variation, residue mobility, and thermodynamic stability) has been performed for this missense variant. However, the output from this modeling did not meet the statistical confidence thresholds required to predict the impact of this variant on RHO protein function. Experimental studies have shown that this missense change affects RHO function (PMID: 8253795). For these reasons, this variant has been classified as Pathogenic.

Blueprint Genetics
Classification: Pathogenic for RHO-related disorders. Last evaluated: 2022-07-17. Review status: criteria provided, single submitter. Criteria: ACMG Guidelines, 2015. Collection method: clinical testing. Allele origin: germline. Affected: yes. Observed: 5 variant alleles.

Centre for Genomic Medicine, Manchester, Central Manchester University Hospitals
Classification: Likely pathogenic for Retinitis pigmentosa 4. Last evaluated: 2020-09-01. Review status: criteria provided, single submitter. Criteria: ACMG Guidelines, 2015. Collection method: clinical testing. Allele origin: germline. Affected: yes. Observed: 1 heterozygote.

ARUP Laboratories, Molecular Genetics and Genomics, ARUP Laboratories
Classification: Likely pathogenic. Last evaluated: 2019-06-03. Review status: criteria provided, single submitter. Criteria: ARUP Molecular Germline Variant Investigation Process. Collection method: clinical testing. Allele origin: germline.
Comment: The RHO c.563G>A, p.Gly188Glu variant (rs1424131846) is reported in the medical literature in individuals and families with autosomal dominant retinitis pigmentosa (Macke 2014, Van Cauwenbergh 2017) and reportedly occurs de novo in one individual (Stone 2017). Additionally, another variant in the same codon, c.562G>A; p.Gly188Arg, is reported in several additional families with autosomal dominant retinitis pigmentosa (Dryja 1991, Martin-Merida 2018, Wang 2014) and displays altered functional properties including improper cellular localization and oligomerization (Gragg 2018). The c.563G>A, p.Gly188Glu variant is reported in the general population with an overall allele frequency of 0.0004% (1/246228 alleles) in the Genome Aggregation Database, indicating it is not a common polymorphism. The amino acid at this position is highly conserved and computational algorithms (PolyPhen-2, SIFT) predict this variant is deleterious. Considering available information, this variant is classified as likely pathogenic. References: Gragg M and Park PS. Misfolded rhodopsin mutants display variable aggregation properties. Biochim Biophys Acta Mol Basis Dis. 2018 Sep;1864(9 Pt B):2938-2948 Macke JP et al. Identification of novel rhodopsin mutations responsible for retinitis pigmentosa: implications for the structure and function of rhodopsin. Am J Hum Genet. 1993 Jul;53(1):80-9. Martin-Merida I et al. Toward the Mutational Landscape of Autosomal Dominant Retinitis Pigmentosa: A Comprehensive Analysis of 258 Spanish Families. Invest Ophthalmol Vis Sci. 2018 May 1;59(6):2345-2354. Stone EM et al. Clinically Focused Molecular Investigation of 1000 Consecutive Families with Inherited Retinal Disease. Ophthalmology. 2017 Sep;124(9):1314-1331. Van Cauwenbergh C et al. Mutations in Splicing Factor Genes Are a Major Cause of Autosomal Dominant Retinitis Pigmentosa in Belgian Families. PLoS One. 2017 Jan 11;12(1):e0170038.

Literature cited by the submitters: PubMed 8253795 (cited by 3billion and Labcorp Genetics (formerly Invitae), Labcorp); PubMed 28076437 (cited by 3billion and Labcorp Genetics (formerly Invitae), Labcorp); PubMed 28559085 (cited by 3billion and Labcorp Genetics (formerly Invitae), Labcorp); PubMed 8317502 (cited by 3billion and Labcorp Genetics (formerly Invitae), Labcorp); PubMed 1833777 (cited by 3billion).